The following is an entry in ClinVar:

ClinVar aggregate classification (germline): Uncertain significance. Review status: criteria provided, multiple submitters, no conflicts (2 of 4 stars). 2 submissions from 2 submitters: Uncertain significance (2). Last evaluated 2026-08-03.

Conditions:
Familial thoracic aortic aneurysm and aortic dissection (TAAD). Also called: Thoracic aortic aneurysms and dissections. Identifiers: Orphanet 91387, MedGen C4707243, MONDO:0019625.
Marfan syndrome (MFS). Also called: MARFAN SYNDROME, TYPE I; Marfan syndrome type 1; Marfan's syndrome; Marfan syndrome, classic; FBN1-Related Marfan Syndrome. Identifiers: Orphanet 284963, Orphanet 558, MedGen C0024796, MONDO:0007947, OMIM 154700.

Submissions (2):

Ambry Genetics
Classification: Uncertain significance for Familial thoracic aortic aneurysm and aortic dissection. Last evaluated: 2026-08-03. Review status: criteria provided, single submitter. Criteria: Ambry Variant Classification Scheme 2023. Collection method: clinical testing. Allele origin: germline.
Comment: The c.5546-3C>G intronic variant results from a C to G substitution 3 nucleotides upstream from coding exon 45 in the FBN1 gene. This nucleotide position is well conserved in available vertebrate species. In silico splice site analysis predicts that this alteration will weaken the native splice acceptor site and will result in the creation or strengthening of a novel splice acceptor site. Based on the available evidence, the clinical significance of this variant remains unclear.

Labcorp Genetics (formerly Invitae), Labcorp
Classification: Uncertain significance for Marfan syndrome; Familial thoracic aortic aneurysm and aortic dissection. Last evaluated: 2022-06-18. Review status: criteria provided, single submitter. Criteria: Invitae Variant Classification Sherloc (09022015). Collection method: clinical testing. Allele origin: germline.
Comment: In summary, the available evidence is currently insufficient to determine the role of this variant in disease. Therefore, it has been classified as a Variant of Uncertain Significance. Variants that disrupt the consensus splice site are a relatively common cause of aberrant splicing (PMID: 17576681, 9536098). Algorithms developed to predict the effect of sequence changes on RNA splicing suggest that this variant may disrupt the consensus splice site. This variant has not been reported in the literature in individuals affected with FBN1-related conditions. This variant is not present in population databases (gnomAD no frequency). This sequence change falls in intron 45 of the FBN1 gene. It does not directly change the encoded amino acid sequence of the FBN1 protein. It affects a nucleotide within the consensus splice site.

Literature cited by the submitters: PubMed 17576681 (cited by Labcorp Genetics (formerly Invitae), Labcorp); PubMed 9536098 (cited by Labcorp Genetics (formerly Invitae), Labcorp).

NM_000138.5(FBN1):c.5546-3C>G

Gene: FBN1 (fibrillin 1; minus strand). Cytogenetic location: 15q21.1.
Variant type: single nucleotide variant.
Coding change: c.5546-3C>G on transcript NM_000138.5 (MANE Select); 3 bases into the intron before coding-DNA position 5546, C replaced by G.
Molecular consequence: intron variant.
Genome position (GRCh38, 1-based): chr15:48,448,896, G>C on the plus strand (C>G on the coding strand, the complement: FBN1 is on the minus strand). VCF-style: chr15-48448896-G-C. GRCh37 (hg19) VCF-style: chr15-48741093-G-C.
Identifiers: ClinVar variation 1748214 (VCV001748214.8), dbSNP rs2505463650, ClinGen allele CA2580089564.